The following is an entry in ClinVar:

NM_000352.6(ABCC8):c.2206G>T (p.Ala736Ser)

Gene: ABCC8 (ATP binding cassette subfamily C member 8; minus strand). Cytogenetic location: 11p15.1.
Variant type: single nucleotide variant.
Coding change: c.2206G>T on transcript NM_000352.6 (MANE Select); coding-DNA position 2206, G replaced by T.
Protein change: p.Ala736Ser; replaces alanine 736 with serine.
Molecular consequence: missense variant. On other transcripts: non-coding transcript variant (1).
Genome position (GRCh38, 1-based): chr11:17,427,065, C>A on the plus strand (G>T on the coding strand, the complement: ABCC8 is on the minus strand). VCF-style: chr11-17427065-C-A. GRCh37 (hg19) VCF-style: chr11-17448612-C-A.
Other names: c.2206G>T (NM_000352.4); c.2206G>T, p.Ala736Ser (NM_001287174.3); c.2272G>T, p.Ala758Ser (NM_001351295.2); c.2203G>T, p.Ala735Ser (NM_001351296.2, NM_001351297.2); short protein forms A736S, A758S, A735S.
Identifiers: ClinVar variation 877185 (VCV000877185.7), dbSNP rs191697443, ClinGen allele CA5903271.

ClinVar aggregate classification (germline): Uncertain significance. Review status: criteria provided, multiple submitters, no conflicts (2 of 4 stars). 7 submissions from 4 submitters: Uncertain significance (7). Last evaluated 2022-10-14.

Conditions:
Maturity-onset diabetes of the young (MODY). Also called: Maturity onset diabetes mellitus in young. Identifiers: Orphanet 552, MedGen C0342276, MONDO:0018911, HP:0004904.
Diabetes mellitus, permanent neonatal 3. Also called: ABCC8-Related Permanent Neonatal Diabetes Mellitus. Identifiers: MedGen C5394303, MONDO:0030088, OMIM 618857.
Diabetes mellitus, transient neonatal, 2 (TNDM2). Identifiers: Orphanet 99886, MedGen C1835887, MONDO:0012480, OMIM 610374. Disease mechanism: loss of function.
Type 2 diabetes mellitus. Also called: Type II diabetes mellitus. Identifiers: MedGen C0011860, MeSH D003924, MONDO:0005148, OMIM 125853, HP:0005978.
Hyperinsulinemic hypoglycemia, familial, 1 (HHF1). Also called: Persistent Hyperinsulinemia Hypoglycemia of Infancy; Persistent hyperinsulinemic hypoglycemia of infancy; HYPERINSULINISM, FAMILIAL, WITH PANCREATIC NESIDIOBLASTOSIS; HYPOGLYCEMIA, HYPERINSULINEMIC, OF INFANCY; NESIDIOBLASTOSIS OF PANCREAS. Identifiers: Orphanet 276575, Orphanet 276598, MedGen C2931832, MONDO:0009734, OMIM 256450.
Leucine-induced hypoglycemia (LIH). Also called: LEUCINE-SENSITIVE HYPOGLYCEMIA OF INFANCY. Identifiers: MedGen C0271714, MONDO:0009415, OMIM 240800.
ABCC8-related disorder.
Transitory neonatal diabetes mellitus. Also called: Transient neonatal diabetes mellitus. Identifiers: MedGen C0342273, MONDO:0020525, HP:0008255.
Permanent neonatal diabetes mellitus (PNDM). Identifiers: Orphanet 99885, MedGen C1833104, MONDO:0100164, MONDO:0011643. Disease mechanism: gain of function.

Allele frequency attached by ClinVar (database versions not stated): ExAC 0.00002; gnomAD 0.00003 and 0.00004; gnomAD exomes 0.00003; TOPMed 0.00006; 1000 Genomes Project 30x 0.00016; 1000 Genomes Project 0.00020.
gnomAD v4.1: 131 of 1,613,958 alleles (0.0081%); highest among the groups gnomAD compares: Non-Finnish European, 0.01%; no homozygotes.

Submissions (7):

PreventionGenetics, part of Exact Sciences
Classification: Uncertain significance for ABCC8-related condition. Last evaluated: 2022-10-14. Review status: criteria provided, single submitter. Criteria: ACMG Guidelines, 2015. Collection method: clinical testing. Allele origin: germline.
Comment: The ABCC8 c.2206G>T variant is predicted to result in the amino acid substitution p.Ala736Ser. To our knowledge, this variant has not been reported in the literature. This variant is reported in 0.0054% of alleles in individuals of European (Non-Finnish) descent in gnomAD. At this time, the clinical significance of this variant is uncertain due to the absence of conclusive functional and genetic evidence.

Fulgent Genetics
Classification: Uncertain significance for Type 2 diabetes mellitus; Leucine-induced hypoglycemia; Hyperinsulinemic hypoglycemia, familial, 1; Diabetes mellitus, transient neonatal, 2; Diabetes mellitus, permanent neonatal 3. Last evaluated: 2022-03-15. Review status: criteria provided, single submitter. Criteria: ACMG Guidelines, 2015. Collection method: clinical testing. Allele origin: unknown.

Illumina Laboratory Services, Illumina
Classification: Uncertain significance for Diabetes mellitus, transient neonatal, 2. Last evaluated: 2018-01-15. Review status: criteria provided, single submitter. Criteria: ICSL Variant Classification Criteria 13 December 2019. Collection method: clinical testing. Allele origin: germline.

Illumina Laboratory Services, Illumina
Classification: Uncertain significance for Permanent neonatal diabetes mellitus 1. Last evaluated: 2018-01-15. Review status: criteria provided, single submitter. Criteria: ICSL Variant Classification Criteria 13 December 2019. Collection method: clinical testing. Allele origin: germline.

Illumina Laboratory Services, Illumina
Classification: Uncertain significance for Hyperinsulinemic hypoglycemia, familial, 1. Last evaluated: 2018-01-15. Review status: criteria provided, single submitter. Criteria: ICSL Variant Classification Criteria 13 December 2019. Collection method: clinical testing. Allele origin: germline.

Clinical Genomics, Uppaluri K&H Personalized Medicine Clinic
Classification: Uncertain significance for Maturity-onset diabetes of the young. Review status: criteria provided, single submitter. Criteria: K & H Uppaluri Personalized Medicine Clinic Variant Classification & Assertion Criteria_Updated V.1. Collection method: research. Allele origin: unknown. Inheritance: Somatic mutation.
Comment: Mutations in ABCC8 gene are associated with both neonatal diabetes mellitus as well as MODY. Patients with this mutation may have a better response to sulfonylureas. However, no sufficient evidence is found to ascertain the role of this particular variant ( rs191697443) in MODY yet.

Clinical Genomics, Uppaluri K&H Personalized Medicine Clinic
Classification: Uncertain significance for Transitory neonatal diabetes mellitus. Review status: criteria provided, single submitter. Criteria: K & H Uppaluri Personalized Medicine Clinic Variant Classification & Assertion Criteria_Updated V.1. Collection method: research. Allele origin: unknown. Inheritance: Somatic mutation.
Comment: Mutations in ABCC8 gene are associated with both neonatal diabetes mellitus as well as MODY. Patients with this mutation may have a better response to sulfonylureas. However, no sufficient evidence is found to ascertain the role of this particular variant ( rs191697443) in neonatal diabetes yet.

Literature cited by the submitters: PubMed 16885549 (cited by Clinical Genomics, Uppaluri K&H Personalized Medicine Clinic); PubMed 21989597 (cited by Clinical Genomics, Uppaluri K&H Personalized Medicine Clinic); PubMed 27538677 (cited by Clinical Genomics, Uppaluri K&H Personalized Medicine Clinic); PubMed 18981553 (cited by Clinical Genomics, Uppaluri K&H Personalized Medicine Clinic); PubMed 32027066 (cited by Clinical Genomics, Uppaluri K&H Personalized Medicine Clinic); PubMed 16613899 (cited by Clinical Genomics, Uppaluri K&H Personalized Medicine Clinic); PubMed 18025408 (cited by Clinical Genomics, Uppaluri K&H Personalized Medicine Clinic); PubMed 32792356 (cited by Clinical Genomics, Uppaluri K&H Personalized Medicine Clinic).